The following is an entry in ClinVar:

ClinVar aggregate classification (germline): Uncertain significance. Review status: criteria provided, multiple submitters, no conflicts (2 of 4 stars). 6 submissions from 6 submitters: Uncertain significance (6). Last evaluated 2026-04-07.

Conditions:
MYBPC3-related disorder. Also called: MYBPC3-related disorders; MYBPC3-related condition; MYBPC3-related disease.
Cardiovascular phenotype. Identifiers: MedGen CN230736.
Hypertrophic cardiomyopathy 4. Also called: Familial hypertrophic cardiomyopathy 4. Identifiers: MedGen C1861862, MONDO:0007268, OMIM 115197.
Left ventricular noncompaction 10 (LVNC10). Identifiers: Orphanet 154, Orphanet 54260, MedGen C3715165, MONDO:0014163, OMIM 615396.
Hypertrophic cardiomyopathy. Also called: HYPERTROPHIC MYOCARDIOPATHY. Identifiers: Orphanet 217569, MedGen C0007194, MeSH D002312, MONDO:0005045, HP:0001639.

Allele frequency attached by ClinVar (database versions not stated): gnomAD 0.00001 and 0.00002; ExAC 0.00002; gnomAD exomes 0.00002; TOPMed 0.00002; 1000 Genomes Project 30x 0.00016; 1000 Genomes Project 0.00020.
gnomAD v4.1: 21 of 1,613,886 alleles (0.0013%); highest among the groups gnomAD compares: Non-Finnish European, 0.0017%; no homozygotes.

Submissions (6):

PreventionGenetics, part of Exact Sciences
Classification: Uncertain significance for MYBPC3-related condition. Last evaluated: 2026-04-07. Review status: criteria provided, single submitter. Criteria: ACMG Guidelines, 2015. Collection method: clinical testing. Allele origin: germline.
Comment: The MYBPC3 c.2512G>C variant is predicted to result in the amino acid substitution p.Glu838Gln. This variant has been reported in an individual with dilated cardiomyopathy (Peña-Peña et al. 2021. PubMed ID: 32826072). This variant is reported in 0.0041% of alleles in individuals of African descent in gnomAD and is interpreted as uncertain in ClinVar (Variation ID: 179456). At this time, the clinical significance of this variant is uncertain due to the absence of conclusive functional and genetic evidence.

Labcorp Genetics (formerly Invitae), Labcorp
Classification: Uncertain significance for Hypertrophic cardiomyopathy. Last evaluated: 2025-12-20. Review status: criteria provided, single submitter. Criteria: Invitae Variant Classification Sherloc (09022015). Collection method: clinical testing. Allele origin: germline.
Comment: This sequence change replaces glutamic acid, which is acidic and polar, with glutamine, which is neutral and polar, at codon 838 of the MYBPC3 protein (p.Glu838Gln). This variant is present in population databases (rs397515969, gnomAD 0.004%). This missense change has been observed in individual(s) with dilated cardiomyopathy (PMID: 32826072). ClinVar contains an entry for this variant (Variation ID: 179456). An algorithm developed to predict the effect of missense changes on protein structure and function (PolyPhen-2) suggests that this variant is likely to be disruptive. In summary, the available evidence is currently insufficient to determine the role of this variant in disease. Therefore, it has been classified as a Variant of Uncertain Significance.

Blueprint Genetics
Classification: Uncertain significance. Last evaluated: 2024-02-15. Review status: criteria provided, single submitter. Criteria: ACMG Guidelines, 2015. Collection method: clinical testing. Allele origin: germline.

Ambry Genetics
Classification: Uncertain significance for Cardiovascular phenotype. Last evaluated: 2023-02-08. Review status: criteria provided, single submitter. Criteria: Ambry Variant Classification Scheme 2023. Collection method: clinical testing. Allele origin: germline.
Comment: The p.E838Q variant (also known as c.2512G>C), located in coding exon 25 of the MYBPC3 gene, results from a G to C substitution at nucleotide position 2512. The glutamic acid at codon 838 is replaced by glutamine, an amino acid with highly similar properties. This alteration has been reported in a dilated cardiomyopathy (DCM) cohort (Pe&ntilde;a-Pe&ntilde;a ML et al. Med Clin (Barc), 2021 May;156:485-495). This amino acid position is highly conserved in available vertebrate species. In addition, the in silico prediction for this alteration is inconclusive. Since supporting evidence is limited at this time, the clinical significance of this alteration remains unclear.

Fulgent Genetics
Classification: Uncertain significance for Hypertrophic cardiomyopathy 4; Left ventricular noncompaction 10. Last evaluated: 2021-09-14. Review status: criteria provided, single submitter. Criteria: ACMG Guidelines, 2015. Collection method: clinical testing. Allele origin: unknown.

Laboratory for Molecular Medicine, Mass General Brigham Personalized Medicine
Classification: Uncertain significance. Last evaluated: 2013-12-11. Review status: criteria provided, single submitter. Criteria: LMM Criteria. Collection method: clinical testing. Allele origin: germline. Observed: 1 variant allele.
Comment: The Glu838Gln variant in MYBPC3 has not been previously reported in individuals with cardiomyopathy or large European American and African American cohorts. Co mputational analyses (biochemical amino acid properties, conservation, AlignGVGD , PolyPhen2, and SIFT) do not provide strong support for or against an impact to the protein. Additional information is needed to fully assess the clinical sig nificance of the Glu838Gln variant.

Literature cited by the submitters: PubMed 32826072 (cited by Labcorp Genetics (formerly Invitae), Labcorp and Ambry Genetics).

NM_000256.3(MYBPC3):c.2512G>C (p.Glu838Gln)

Gene: MYBPC3 (myosin binding protein C3; minus strand). Cytogenetic location: 11p11.2.
Variant type: single nucleotide variant.
Coding change: c.2512G>C on transcript NM_000256.3 (MANE Select); coding-DNA position 2512, G replaced by C.
Protein change: p.Glu838Gln; replaces glutamic acid 838 with glutamine.
Molecular consequence: missense variant.
Genome position (GRCh38, 1-based): chr11:47,337,481, C>G on the plus strand (G>C on the coding strand, the complement: MYBPC3 is on the minus strand). VCF-style: chr11-47337481-C-G. GRCh37 (hg19) VCF-style: chr11-47359032-C-G.
Other names: short protein forms E838Q.
Identifiers: ClinVar variation 179456 (VCV000179456.16), dbSNP rs397515969, ClinGen allele CA012426.
Genomic context (GRCh38, chr11:47,337,481, plus strand): 5'-TGGGCCTGGACATGCCGATGGCGTTGACCGCGTAGACGCGCATCTCGTACACCACGCCCT[C>G]GATCATGCGCCGCGCTTCATGACTCAGCTCCTGAATCAGGTCGAAGTTCAGCCGCATCCA-3'
Protein context (NP_000247.2, residues 828-848): ELSHEARRMI[Glu838Gln]GVVYEMRVYA